The following is an entry in ClinVar:

ClinVar aggregate classification (germline): Uncertain significance. Review status: criteria provided, multiple submitters, no conflicts (2 of 4 stars). 3 submissions from 3 submitters: Uncertain significance (3). Last evaluated 2025-07-21.

Conditions:
Hereditary cancer-predisposing syndrome. Also called: Neoplastic Syndromes, Hereditary; Hereditary Cancer Syndrome; Tumor predisposition; Hereditary neoplastic syndrome. Identifiers: Orphanet 140162, MedGen C0027672, MeSH D009386, MONDO:0015356.
DICER1-related tumor predisposition. Also called: DICER1-related pleuropulmonary blastoma cancer predisposition syndrome; DICER1 syndrome. Identifiers: Orphanet 284343, MedGen C3839822, MONDO:0100216.

Allele frequency attached by ClinVar (database versions not stated): TOPMed 0.00004; gnomAD 0.00002.
gnomAD v4.1: 3 of 1,614,014 alleles (0.00019%); highest among the groups gnomAD compares: Admixed American, 0.005%; no homozygotes.

Submissions (3):

Dasa
Classification: Uncertain significance. Last evaluated: 2025-07-21. Review status: criteria provided, single submitter. Criteria: DASA Assertion Criteria. Collection method: clinical testing. Allele origin: germline.
Comment: NM_177438.3(DICER1):c.2276A>T (p.Asp759Val) is a missense variant that results in the substitution of aspartic acid with valine. This variant is rare in population databases. Computational prediction algorithms are consistent with a benign effect. The currently available literature and clinical evidence are not sufficient to establish a definitive association between this variant and the reported condition. Therefore, this variant is classified as a variant of uncertain significance.

Labcorp Genetics (formerly Invitae), Labcorp
Classification: Uncertain significance for DICER1-related tumor predisposition. Last evaluated: 2021-07-30. Review status: criteria provided, single submitter. Criteria: Invitae Variant Classification Sherloc (09022015). Collection method: clinical testing. Allele origin: germline.
Comment: This sequence change replaces aspartic acid with valine at codon 759 of the DICER1 protein (p.Asp759Val). The aspartic acid residue is weakly conserved and there is a large physicochemical difference between aspartic acid and valine. This variant is not present in population databases (ExAC no frequency). In summary, the available evidence is currently insufficient to determine the role of this variant in disease. Therefore, it has been classified as a Variant of Uncertain Significance. Algorithms developed to predict the effect of sequence changes on RNA splicing suggest that this variant may create or strengthen a splice site. Algorithms developed to predict the effect of missense changes on protein structure and function are either unavailable or do not agree on the potential impact of this missense change (SIFT: "Deleterious"; PolyPhen-2: "Benign"; Align-GVGD: "Class C0"). This variant has not been reported in the literature in individuals affected with DICER1-related conditions.

Ambry Genetics
Classification: Uncertain significance for Hereditary cancer-predisposing syndrome. Last evaluated: 2021-07-22. Review status: criteria provided, single submitter. Criteria: Ambry Variant Classification Scheme 2023. Collection method: clinical testing. Allele origin: germline.
Comment: The p.D759V variant (also known as c.2276A>T), located in coding exon 14 of the DICER1 gene, results from an A to T substitution at nucleotide position 2276. The aspartic acid at codon 759 is replaced by valine, an amino acid with highly dissimilar properties. This amino acid position is not well conserved in available vertebrate species. In addition, this alteration is predicted to be tolerated by in silico analysis. Since supporting evidence is limited at this time, the clinical significance of this alteration remains unclear.

NM_177438.3(DICER1):c.2276A>T (p.Asp759Val)

Gene: DICER1 (dicer 1, ribonuclease III; minus strand). Cytogenetic location: 14q32.13.
Variant type: single nucleotide variant.
Coding change: c.2276A>T on transcript NM_177438.3 (MANE Select); coding-DNA position 2276, A replaced by T.
Protein change: p.Asp759Val; replaces aspartic acid 759 with valine.
Molecular consequence: missense variant.
Genome position (GRCh38, 1-based): chr14:95,108,484, T>A on the plus strand (A>T on the coding strand, the complement: DICER1 is on the minus strand). VCF-style: chr14-95108484-T-A. GRCh37 (hg19) VCF-style: chr14-95574821-T-A.
Other names: c.2276A>T, p.Asp759Val (NM_001195573.1, NM_001271282.3, NM_001291628.2 and 1 more transcripts); short protein forms D759V.
Identifiers: ClinVar variation 1371063 (VCV001371063.11), dbSNP rs1288856698, ClinGen allele CA390882397.